The following is an entry in ClinVar:

NM_020975.6(RET):c.2218A>G (p.Lys740Glu)

Gene: RET (ret proto-oncogene; plus strand). Cytogenetic location: 10q11.21.
Variant type: single nucleotide variant.
Coding change: c.2218A>G on transcript NM_020975.6 (MANE Select); coding-DNA position 2218, A replaced by G.
Protein change: p.Lys740Glu; replaces lysine 740 with glutamic acid.
Molecular consequence: missense variant.
Genome position (GRCh38, 1-based): chr10:43,116,665, A>G. VCF-style: chr10-43116665-A-G. GRCh37 (hg19) VCF-style: chr10-43612113-A-G.
Other names: c.2218A>G, p.Lys740Glu (NM_000323.2, NM_001406743.1, NM_001406744.1 and 4 more transcripts); c.1456A>G, p.Lys486Glu (NM_001355216.2); c.2089A>G, p.Lys697Glu (NM_001406761.1, NM_001406762.1, NM_001406764.1); c.2083A>G, p.Lys695Glu (NM_001406763.1, NM_001406765.1); c.1930A>G, p.Lys644Glu (NM_001406766.1, NM_001406767.1, NM_001406770.1); c.1954A>G, p.Lys652Glu (NM_001406768.1); c.1822A>G, p.Lys608Glu (NM_001406769.1, NM_001406772.1); c.1780A>G, p.Lys594Glu (NM_001406771.1, NM_001406773.1); and 10 more; short protein forms K486E, K740E, K396E, K401E, K441E, K498E, K695E, K697E.
Identifiers: ClinVar variation 959937 (VCV000959937.7), dbSNP rs1838077401, ClinGen allele CA376554568.

ClinVar aggregate classification (germline): Uncertain significance. Review status: criteria provided, multiple submitters, no conflicts (2 of 4 stars). 2 submissions from 2 submitters: Uncertain significance (2). Last evaluated 2026-01-07.

Conditions:
Hereditary cancer-predisposing syndrome. Also called: Tumor predisposition; Hereditary neoplastic syndrome; Neoplastic Syndromes, Hereditary; Hereditary Cancer Syndrome. Identifiers: Orphanet 140162, MedGen C0027672, MeSH D009386, MONDO:0015356.
Multiple endocrine neoplasia, type 2 (MEN2). Identifiers: Orphanet 653, MedGen C4048306, MONDO:0019003. Disease mechanism: gain of function.

Allele frequency attached by ClinVar (database versions not stated): gnomAD exomes 0.00001.

Submissions (2):

Labcorp Genetics (formerly Invitae), Labcorp
Classification: Uncertain significance for Multiple endocrine neoplasia, type 2. Last evaluated: 2026-01-07. Review status: criteria provided, single submitter. Criteria: Invitae Variant Classification Sherloc (09022015). Collection method: clinical testing. Allele origin: germline.
Comment: This sequence change replaces lysine, which is basic and polar, with glutamic acid, which is acidic and polar, at codon 740 of the RET protein (p.Lys740Glu). This variant is not present in population databases (gnomAD no frequency). This variant has not been reported in the literature in individuals affected with RET-related conditions. ClinVar contains an entry for this variant (Variation ID: 959937). An algorithm developed to predict the effect of missense changes on protein structure and function outputs the following: PolyPhen-2: "Benign". The glutamic acid amino acid residue is found in multiple mammalian species, which suggests that this missense change does not adversely affect protein function. In summary, the available evidence is currently insufficient to determine the role of this variant in disease. Therefore, it has been classified as a Variant of Uncertain Significance.

Ambry Genetics
Classification: Uncertain significance for Hereditary cancer-predisposing syndrome. Last evaluated: 2024-08-29. Review status: criteria provided, single submitter. Criteria: Ambry Variant Classification Scheme 2023. Collection method: clinical testing. Allele origin: germline.
Comment: The p.K740E variant (also known as c.2218A>G), located in coding exon 12 of the RET gene, results from an A to G substitution at nucleotide position 2218. The lysine at codon 740 is replaced by glutamic acid, an amino acid with similar properties. This amino acid position is not well conserved in available vertebrate species. In addition, the in silico prediction for this alteration is inconclusive. Based on the available evidence, the clinical significance of this variant remains unclear.